The following is an entry in ClinVar:

NM_001927.4(DES):c.1207G>T (p.Ala403Ser)

Gene: DES (desmin; plus strand). Cytogenetic location: 2q35.
Variant type: single nucleotide variant.
Coding change: c.1207G>T on transcript NM_001927.4 (MANE Select); coding-DNA position 1207, G replaced by T.
Protein change: p.Ala403Ser; replaces alanine 403 with serine.
Molecular consequence: missense variant.
Genome position (GRCh38, 1-based): chr2:219,421,523, G>T. VCF-style: chr2-219421523-G-T. GRCh37 (hg19) VCF-style: chr2-220286245-G-T.
Other names: c.1204G>T, p.Ala402Ser (NM_001382708.1); c.775G>T, p.Ala259Ser (NM_001382709.1); c.1138G>T, p.Ala380Ser (NM_001382710.1); c.1186G>T, p.Ala396Ser (NM_001382711.1); c.1207G>T, p.Ala403Ser (NM_001382712.1); c.937G>T, p.Ala313Ser (NM_001382713.1); short protein forms A380S, A396S, A403S, A259S, A313S, A402S.
Identifiers: ClinVar variation 3501193 (VCV003501193.1).
Genomic context (GRCh38, chr2:219,421,523, plus strand): 5'-CGCCATCTGCGCGAGTACCAGGACCTGCTCAACGTGAAGATGGCCCTGGATGTGGAGATT[G>T]CCACCTACCGGAAGCTGCTGGAGGGAGAGGAGAGCCGGTGAGGGGCCAGGCAGGAGCCCG-3'
Protein context (NP_001918.3, residues 393-413): NVKMALDVEI[Ala403Ser]TYRKLLEGEE

ClinVar aggregate classification (germline): Uncertain significance (1 of 4 stars; one submission).

Conditions:
Cardiovascular phenotype. Identifiers: MedGen CN230736.

gnomAD v4.1: 2 of 1,614,094 alleles (0.00012%); highest among the groups gnomAD compares: Non-Finnish European, 0.00017%; no homozygotes.

Submission:

Ambry Genetics
Classification: Uncertain significance for Cardiovascular phenotype. Last evaluated: 2024-09-24. Review status: criteria provided, single submitter. Criteria: Ambry Variant Classification Scheme 2023. Collection method: clinical testing. Allele origin: germline.
Comment: The p.A403S variant (also known as c.1207G>T), located in coding exon 6 of the DES gene, results from a G to T substitution at nucleotide position 1207. The alanine at codon 403 is replaced by serine, an amino acid with similar properties. This amino acid position is conserved. In addition, this alteration is predicted to be deleterious by in silico analysis. Based on the available evidence, the clinical significance of this variant remains unclear.